The following is an entry in ClinVar:

NM_182931.3(KMT2E):c.4914G>A (p.Pro1638=)

Gene: KMT2E (lysine methyltransferase 2E (inactive); plus strand). Cytogenetic location: 7q22.3.
Variant type: single nucleotide variant.
Coding change: c.4914G>A on transcript NM_182931.3 (MANE Select); coding-DNA position 4914, G replaced by A.
Protein change: p.Pro1638=; no amino-acid change (proline 1638 retained).
Molecular consequence: synonymous variant.
Genome position (GRCh38, 1-based): chr7:105,112,670, G>A. VCF-style: chr7-105112670-G-A. GRCh37 (hg19) VCF-style: chr7-104753117-G-A.
Other names: c.4914G>A (NM_182931.2); c.4788G>A, p.Pro1596= (NM_001410908.1); c.4914G>A, p.Pro1638= (NM_018682.4).
Identifiers: ClinVar variation 2657914 (VCV002657914.29), dbSNP rs546519781, ClinGen allele CA4424857.

ClinVar aggregate classification (germline): Likely benign. Review status: criteria provided, multiple submitters, no conflicts (2 of 4 stars). 4 submissions from 4 submitters: Likely benign (3). 1 of the submissions does not count toward it. Last evaluated 2025-09-14.

Conditions:
KMT2E-related disorder. Also called: KMT2E-related condition.

Allele frequency attached by ClinVar (database versions not stated): gnomAD exomes 0.00004; TOPMed 0.00006; gnomAD 0.00009; ExAC 0.00010.
gnomAD v4.1: 80 of 1,613,360 alleles (0.005%); highest among the groups gnomAD compares: Non-Finnish European, 0.0057%; no homozygotes.

Submissions (4):

Labcorp Genetics (formerly Invitae), Labcorp
Classification: Likely benign. Last evaluated: 2025-09-14. Review status: criteria provided, single submitter. Criteria: Invitae Variant Classification Sherloc (09022015). Collection method: clinical testing. Allele origin: germline.

Blueprint Genetics
Classification: Likely benign. Last evaluated: 2024-08-09. Review status: criteria provided, single submitter. Criteria: ACMG Guidelines, 2015. Collection method: clinical testing. Allele origin: germline.

CeGaT Center for Human Genetics Tuebingen
Classification: Likely benign. Last evaluated: 2022-09-01. Review status: criteria provided, single submitter. Criteria: CeGaT Center For Human Genetics Tuebingen Variant Classification Criteria Version 2. Collection method: clinical testing. Allele origin: germline. Affected: yes. Observed: 1 variant allele.
Comment: KMT2E: BP4, BP7

PreventionGenetics, part of Exact Sciences
Classification: Likely benign for KMT2E-related condition. Last evaluated: 2019-07-19. Review status: no assertion criteria provided. Collection method: clinical testing. Allele origin: germline. Not counted in ClinVar's aggregate classification.
Comment: This variant is classified as likely benign based on ACMG/AMP sequence variant interpretation guidelines (Richards et al. 2015 PMID: 25741868, with internal and published modifications).